The following is an entry in ClinVar:

ClinVar aggregate classification (germline): Uncertain significance. Review status: criteria provided, multiple submitters, no conflicts (2 of 4 stars). 2 submissions from 2 submitters: Uncertain significance (2). Last evaluated 2025-12-01.

Conditions:
Inborn genetic diseases. Identifiers: MedGen C0950123, MeSH D030342.
Lethal multiple pterygium syndrome (LMPS). Identifiers: Orphanet 33108, MedGen C1854678, MONDO:0009668, OMIM 253290.

Allele frequency attached by ClinVar (database versions not stated): gnomAD exomes below 0.00001; TOPMed below 0.00001; 1000 Genomes Project 30x 0.00016; 1000 Genomes Project 0.00020.
gnomAD v4.1: 2 of 1,613,460 alleles (0.00012%); highest among the groups gnomAD compares: Middle Eastern, 0.016%; no homozygotes.

Submissions (2):

Labcorp Genetics (formerly Invitae), Labcorp
Classification: Uncertain significance for Lethal multiple pterygium syndrome. Last evaluated: 2025-12-01. Review status: criteria provided, single submitter. Criteria: Invitae Variant Classification Sherloc (09022015). Collection method: clinical testing. Allele origin: germline.
Comment: This sequence change replaces proline, which is neutral and non-polar, with arginine, which is basic and polar, at codon 5 of the CHRNA1 protein (p.Pro5Arg). This variant is present in population databases (rs185544602, gnomAD 0.007%). This variant has not been reported in the literature in individuals affected with CHRNA1-related conditions. ClinVar contains an entry for this variant (Variation ID: 2093318). Invitae Evidence Modeling of protein sequence and biophysical properties (such as structural, functional, and spatial information, amino acid conservation, physicochemical variation, residue mobility, and thermodynamic stability) indicates that this missense variant is not expected to disrupt CHRNA1 protein function with a negative predictive value of 95%. In summary, the available evidence is currently insufficient to determine the role of this variant in disease. Therefore, it has been classified as a Variant of Uncertain Significance.

Ambry Genetics
Classification: Uncertain significance for Inborn genetic diseases. Last evaluated: 2025-11-24. Review status: criteria provided, single submitter. Criteria: Ambry Variant Classification Scheme 2023. Collection method: clinical testing. Allele origin: germline.
Comment: The c.14C>G (p.P5R) alteration is located in exon 1 (coding exon 1) of the CHRNA1 gene. This alteration results from a C to G substitution at nucleotide position 14, causing the proline (P) at amino acid position 5 to be replaced by an arginine (R). Based on data from gnomAD, the G allele has an overall frequency of <0.001% (1/248868) total alleles studied. The highest observed frequency was 0.006% (1/15998) of African alleles. Based on insufficient or conflicting evidence, the clinical significance of this alteration remains unclear.

NM_000079.4(CHRNA1):c.14C>G (p.Pro5Arg)

Gene: CHRNA1 (cholinergic receptor nicotinic alpha 1 subunit; minus strand). Cytogenetic location: 2q31.1.
Variant type: single nucleotide variant.
Coding change: c.14C>G on transcript NM_000079.4 (MANE Select); coding-DNA position 14, C replaced by G.
Protein change: p.Pro5Arg; replaces proline 5 with arginine.
Molecular consequence: missense variant.
Genome position (GRCh38, 1-based): chr2:174,764,381, G>C on the plus strand (C>G on the coding strand, the complement: CHRNA1 is on the minus strand). VCF-style: chr2-174764381-G-C. GRCh37 (hg19) VCF-style: chr2-175629109-G-C.
Other names: c.14C>G, p.Pro5Arg (NM_001039523.3); c.14C>G (NM_000079.3); short protein forms P5R.
Identifiers: ClinVar variation 2093318 (VCV002093318.5), dbSNP rs185544602, ClinGen allele CA60861362.